The following is an entry in ClinVar:

ClinVar aggregate classification (germline): Uncertain significance (1 of 4 stars; one submission).

Submission:

Labcorp Genetics (formerly Invitae), Labcorp
Classification: Uncertain significance. Last evaluated: 2022-07-19. Review status: criteria provided, single submitter. Criteria: Invitae Variant Classification Sherloc (09022015). Collection method: clinical testing. Allele origin: germline.
Comment: This variant is not present in population databases (gnomAD no frequency). This sequence change replaces proline, which is neutral and non-polar, with serine, which is neutral and polar, at codon 356 of the TULP1 protein (p.Pro356Ser). This variant has not been reported in the literature in individuals affected with TULP1-related conditions. ClinVar contains an entry for this variant (Variation ID: 1492372). Algorithms developed to predict the effect of missense changes on protein structure and function are either unavailable or do not agree on the potential impact of this missense change (SIFT: "Not Available"; PolyPhen-2: "Probably Damaging"; Align-GVGD: "Not Available"). In summary, the available evidence is currently insufficient to determine the role of this variant in disease. Therefore, it has been classified as a Variant of Uncertain Significance.

NM_003322.6(TULP1):c.1066C>T (p.Pro356Ser)

Gene: TULP1 (TUB like protein 1; minus strand). Cytogenetic location: 6p21.31.
Variant type: single nucleotide variant.
Coding change: c.1066C>T on transcript NM_003322.6 (MANE Select); coding-DNA position 1066, C replaced by T.
Protein change: p.Pro356Ser; replaces proline 356 with serine.
Molecular consequence: missense variant.
Genome position (GRCh38, 1-based): chr6:35,505,787, G>A on the plus strand (C>T on the coding strand, the complement: TULP1 is on the minus strand). VCF-style: chr6-35505787-G-A. GRCh37 (hg19) VCF-style: chr6-35473564-G-A.
Other names: c.907C>T, p.Pro303Ser (NM_001289395.2); short protein forms P303S, P356S.
Identifiers: ClinVar variation 1492372 (VCV001492372.8), dbSNP rs201836697, ClinGen allele CA363779708.